The following is an entry in ClinVar:

ClinVar aggregate classification (germline): Uncertain significance. Review status: criteria provided, single submitter (1 of 4 stars). 2 submissions from 2 submitters: Uncertain significance (1). 1 of the submissions does not count toward it. Last evaluated 2025-02-05.

Conditions:
PLXNA4-related disorder. Also called: PLXNA4-related condition.

Allele frequency attached by ClinVar (database versions not stated): gnomAD 0.00002; ExAC 0.00004; TOPMed 0.00006.
gnomAD v4.1: 50 of 1,613,990 alleles (0.0031%); highest among the groups gnomAD compares: Middle Eastern, 0.066%; no homozygotes.

Submissions (2):

Ambry Genetics
Classification: Uncertain significance. Last evaluated: 2025-02-05. Review status: criteria provided, single submitter. Criteria: Ambry Variant Classification Scheme 2023. Collection method: clinical testing. Allele origin: germline.

PreventionGenetics, part of Exact Sciences
Classification: Uncertain significance for PLXNA4-related condition. Last evaluated: 2024-04-04. Review status: no assertion criteria provided. Collection method: clinical testing. Allele origin: germline. Not counted in ClinVar's aggregate classification.
Comment: The PLXNA4 c.1097G>A variant is predicted to result in the amino acid substitution p.Arg366His. To our knowledge, this variant has not been reported in the literature. This variant is reported in 0.020% of alleles in individuals of South Asian descent in gnomAD. At this time, the clinical significance of this variant is uncertain due to the absence of conclusive functional and genetic evidence.

NM_020911.2(PLXNA4):c.1097G>A (p.Arg366His)

Gene: PLXNA4 (plexin A4; minus strand). Cytogenetic location: 7q32.3.
Variant type: single nucleotide variant.
Coding change: c.1097G>A on transcript NM_020911.2 (MANE Select); coding-DNA position 1097, G replaced by A.
Protein change: p.Arg366His; replaces arginine 366 with histidine.
Molecular consequence: missense variant.
Genome position (GRCh38, 1-based): chr7:132,507,597, C>T on the plus strand (G>A on the coding strand, the complement: PLXNA4 is on the minus strand). VCF-style: chr7-132507597-C-T. GRCh37 (hg19) VCF-style: chr7-132192356-C-T.
Other names: c.1097G>A, p.Arg366His (NM_001105543.2, NM_001393897.1, NM_181775.4); short protein forms R366H.
Identifiers: ClinVar variation 3033022 (VCV003033022.3), dbSNP rs757423478, ClinGen allele CA4490374.